The following is an entry in ClinVar:

NM_001360.3(DHCR7):c.1269C>T (p.Gly423=)

Gene: DHCR7 (7-dehydrocholesterol reductase; minus strand). Cytogenetic location: 11q13.4.
Variant type: single nucleotide variant.
Coding change: c.1269C>T on transcript NM_001360.3 (MANE Select); coding-DNA position 1269, C replaced by T.
Protein change: p.Gly423=; no amino-acid change (glycine 423 retained).
Molecular consequence: synonymous variant.
Genome position (GRCh38, 1-based): chr11:71,435,534, G>A on the plus strand (C>T on the coding strand, the complement: DHCR7 is on the minus strand). VCF-style: chr11-71435534-G-A. GRCh37 (hg19) VCF-style: chr11-71146580-G-A.
Other names: p.Gly423=; c.1269C>T, p.Gly423= (NM_001163817.2).
Identifiers: ClinVar variation 707135 (VCV000707135.19), dbSNP rs145374203, ClinGen allele CA6162275.

ClinVar aggregate classification (germline): Likely benign. Review status: criteria provided, multiple submitters, no conflicts (2 of 4 stars). 6 submissions from 6 submitters: Likely benign (4). 2 of the submissions do not count toward it. Last evaluated 2026-09-01.

Conditions:
DHCR7-related disorder. Also called: DHCR7-related condition.
Smith-Lemli-Opitz syndrome (SLOS). Also called: LETHAL ACRODYSGENITAL SYNDROME; POLYDACTYLY, SEX REVERSAL, RENAL HYPOPLASIA, AND UNILOBAR LUNG; RSH SYNDROME; RUTLEDGE LETHAL MULTIPLE CONGENITAL ANOMALY SYNDROME; 7-Dehydrocholesterol reductase deficiency. Identifiers: Orphanet 818, MedGen C0175694, MONDO:0010035, OMIM 270400.
Inborn genetic diseases. Identifiers: MedGen C0950123, MeSH D030342.

Allele frequency attached by ClinVar (database versions not stated): gnomAD 0.00010; gnomAD exomes 0.00011 and 0.00018; TOPMed 0.00012; ESP Exome Variant Server 0.00015; ExAC 0.00019.
gnomAD v4.1: 180 of 1,610,834 alleles (0.011%); highest among the groups gnomAD compares: Admixed American, 0.053%; 2 homozygotes.

Submissions (6):

CeGaT Center for Human Genetics Tuebingen
Classification: Likely benign. Last evaluated: 2026-09-01. Review status: criteria provided, single submitter. Criteria: CeGaT Center For Human Genetics Tuebingen Variant Classification Criteria Version 2. Collection method: clinical testing. Allele origin: germline. Affected: yes. Observed: 1 variant allele.
Comment: DHCR7: BP4, BP7

Labcorp Genetics (formerly Invitae), Labcorp
Classification: Likely benign for Smith-Lemli-Opitz syndrome. Last evaluated: 2026-01-16. Review status: criteria provided, single submitter. Criteria: Invitae Variant Classification Sherloc (09022015). Collection method: clinical testing. Allele origin: germline.

Mayo Clinic Laboratories, Mayo Clinic
Classification: Likely benign. Last evaluated: 2025-09-08. Review status: criteria provided, single submitter. Criteria: ACMG Guidelines, 2015. Collection method: clinical testing. Allele origin: germline. Observed: 1 variant allele.
Comment: BP4, BP7, PM2_supporting

Ambry Genetics
Classification: Likely benign for Inborn genetic diseases. Last evaluated: 2018-07-09. Review status: criteria provided, single submitter. Criteria: Ambry Variant Classification Scheme 2023. Collection method: clinical testing. Allele origin: germline.

PreventionGenetics, part of Exact Sciences
Classification: Likely benign for DHCR7-related condition. Last evaluated: 2021-05-19. Review status: no assertion criteria provided. Collection method: clinical testing. Allele origin: germline. Not counted in ClinVar's aggregate classification.
Comment: This variant is classified as likely benign based on ACMG/AMP sequence variant interpretation guidelines (Richards et al. 2015 PMID: 25741868, with internal and published modifications).

Natera, Inc.
Classification: Likely benign for Smith-Lemli-Opitz syndrome. Last evaluated: 2017-08-09. Review status: no assertion criteria provided. Collection method: clinical testing. Allele origin: germline. Not counted in ClinVar's aggregate classification.